The following is an entry in ClinVar:

NM_020754.4(ARHGAP31):c.3233G>C (p.Ser1078Thr)

Gene: ARHGAP31 (Rho GTPase activating protein 31; plus strand). Cytogenetic location: 3q13.33.
Variant type: single nucleotide variant.
Coding change: c.3233G>C on transcript NM_020754.4 (MANE Select); coding-DNA position 3233, G replaced by C.
Protein change: p.Ser1078Thr; replaces serine 1078 with threonine.
Molecular consequence: missense variant.
Genome position (GRCh38, 1-based): chr3:119,415,162, G>C. VCF-style: chr3-119415162-G-C. GRCh37 (hg19) VCF-style: chr3-119134009-G-C.
Other names: short protein forms S1078T.
Identifiers: ClinVar variation 2814597 (VCV002814597.3), dbSNP rs2472877685, ClinGen allele CA354055364.

ClinVar aggregate classification (germline): Uncertain significance (1 of 4 stars; one submission).

Submission:

Labcorp Genetics (formerly Invitae), Labcorp
Classification: Uncertain significance. Last evaluated: 2022-11-23. Review status: criteria provided, single submitter. Criteria: Invitae Variant Classification Sherloc (09022015). Collection method: clinical testing. Allele origin: germline.
Comment: In summary, the available evidence is currently insufficient to determine the role of this variant in disease. Therefore, it has been classified as a Variant of Uncertain Significance. Algorithms developed to predict the effect of missense changes on protein structure and function (SIFT, PolyPhen-2, Align-GVGD) all suggest that this variant is likely to be tolerated. This variant has not been reported in the literature in individuals affected with ARHGAP31-related conditions. This variant is not present in population databases (gnomAD no frequency). This sequence change replaces serine, which is neutral and polar, with threonine, which is neutral and polar, at codon 1078 of the ARHGAP31 protein (p.Ser1078Thr).